The following is an entry in ClinVar:

ClinVar aggregate classification (germline): Uncertain significance (1 of 4 stars; one submission).

gnomAD v4.1: 6 of 1,613,844 alleles (0.00037%); highest among the groups gnomAD compares: Non-Finnish European, 0.00034%; no homozygotes.

Submission:

Labcorp Genetics (formerly Invitae), Labcorp
Classification: Uncertain significance. Last evaluated: 2024-08-12. Review status: criteria provided, single submitter. Criteria: Invitae Variant Classification Sherloc (09022015). Collection method: clinical testing. Allele origin: germline.
Comment: This sequence change replaces glutamine, which is neutral and polar, with glutamic acid, which is acidic and polar, at codon 436 of the C3 protein (p.Gln436Glu). This variant is not present in population databases (gnomAD no frequency). This variant has not been reported in the literature in individuals affected with C3-related conditions. Advanced modeling of protein sequence and biophysical properties (such as structural, functional, and spatial information, amino acid conservation, physicochemical variation, residue mobility, and thermodynamic stability) has been performed at Invitae for this missense variant, however the output from this modeling did not meet the statistical confidence thresholds required to predict the impact of this variant on C3 protein function. In summary, the available evidence is currently insufficient to determine the role of this variant in disease. Therefore, it has been classified as a Variant of Uncertain Significance.

NM_000064.4(C3):c.1306C>G (p.Gln436Glu)

Gene: C3 (complement C3; minus strand). Cytogenetic location: 19p13.3.
Variant type: single nucleotide variant.
Coding change: c.1306C>G on transcript NM_000064.4 (MANE Select); coding-DNA position 1306, C replaced by G.
Protein change: p.Gln436Glu; replaces glutamine 436 with glutamic acid.
Molecular consequence: missense variant.
Genome position (GRCh38, 1-based): chr19:6,711,160, G>C on the plus strand (C>G on the coding strand, the complement: C3 is on the minus strand). VCF-style: chr19-6711160-G-C. GRCh37 (hg19) VCF-style: chr19-6711171-G-C.
Other names: short protein forms Q436E.
Identifiers: ClinVar variation 3697200 (VCV003697200.2).
Genomic context (GRCh38, chr19:6,711,160, plus strand): 5'-GGTAATTGTTGGAGTTGCCCACGGTGCTGTAGGGCAGAGCCTGCATGGTCCTGGTAGCCT[G>C]CTCTGCCTCCGAGAGCTCCTGCTTCTTCGTGCGCACCTGGGTGGGGAAAGAGGGATGCCT-3'
Protein context (NP_000055.2, residues 426-446): TKKQELSEAE[Gln436Glu]ATRTMQALPY